The following is an entry in ClinVar:

NM_001400225.1(MGA):c.2679del (p.Val894fs)

Gene: MGA (MAX dimerization protein MGA; plus strand). Cytogenetic location: 15q15.1.
Variant type: Deletion.
Coding change: c.2679del on transcript NM_001400225.1 (MANE Select); coding-DNA position 2679, one base deleted (T; older notation c.2679delT).
Protein change: p.Val894fs; shifts the reading frame from valine 894.
Molecular consequence: frameshift variant.
Genome position (GRCh38, 1-based): chr15:41,710,944, T deleted. VCF-style (leftmost placement, unchanged base first): chr15-41710943-CT-C. GRCh37 (hg19) VCF-style: chr15-42003141-CT-C.
Other names: c.2679del, p.Val894fs (NM_001080541.3, NM_001164273.2, NM_001400242.1); short protein forms V894fs.
Identifiers: ClinVar variation 3337991 (VCV003337991.1).

ClinVar aggregate classification (germline): Uncertain significance (1 of 4 stars; one submission).

Conditions:
MGA related disorder.

Submission:

GeneDx
Classification: Uncertain significance for MGA related disorder. Last evaluated: 2024-07-30. Review status: criteria provided, single submitter. Criteria: GeneDx Variant Classification Process June 2021. Collection method: clinical testing. Allele origin: germline. Affected: yes.